The following is an entry in ClinVar:

NC_000019.9:g.(?_11346254)_(11354578_?)del

Genes: ANGPTL8 (angiopoietin like 8; plus strand), DOCK6 (dedicator of cytokinesis 6; minus strand). Cytogenetic location: 19p13.2.
Variant type: Deletion.
Identifiers: ClinVar variation 3242707 (VCV003242707.1).

ClinVar aggregate classification (germline): Pathogenic (1 of 4 stars; one submission).

Submission:

Labcorp Genetics (formerly Invitae), Labcorp
Classification: Pathogenic. Last evaluated: 2023-12-11. Review status: criteria provided, single submitter. Criteria: Invitae Variant Classification Sherloc (09022015). Collection method: clinical testing. Allele origin: unknown.
Comment: This variant is a gross deletion of the genomic region encompassing exon(s) 10-21 of the DOCK6 gene. This deletion is out-of-frame, and is expected to create a premature termination codon and result in an absent or disrupted protein product. Loss-of-function variants in DOCK6 are known to be pathogenic (PMID: 21820096, 25824905). A similar copy number variant has been observed in individual(s) with Adams-Oliver syndrome (PMID: 36330903). For these reasons, this variant has been classified as Pathogenic.

Literature cited by the submitters: PubMed 21820096; PubMed 25824905; PubMed 36330903.